The following is an entry in ClinVar:

NM_002185.5(IL7R):c.737G>A (p.Ser246Asn)

Gene: IL7R (interleukin 7 receptor; plus strand). Cytogenetic location: 5p13.2.
Variant type: single nucleotide variant.
Coding change: c.737G>A on transcript NM_002185.5 (MANE Select); coding-DNA position 737, G replaced by A.
Protein change: p.Ser246Asn; replaces serine 246 with asparagine.
Molecular consequence: missense variant.
Genome position (GRCh38, 1-based): chr5:35,874,479, G>A. VCF-style: chr5-35874479-G-A. GRCh37 (hg19) VCF-style: chr5-35874581-G-A.
Other names: c.737G>A (NM_002185.2); short protein forms S246N.
Identifiers: ClinVar variation 1026475 (VCV001026475.7), dbSNP rs779397627, ClinGen allele CA359431578.

ClinVar aggregate classification (germline): Uncertain significance. Review status: criteria provided, multiple submitters, no conflicts (2 of 4 stars). 2 submissions from 2 submitters: Uncertain significance (2). Last evaluated 2025-12-11.

Conditions:
Inborn genetic diseases. Identifiers: MedGen C0950123, MeSH D030342.
Immunodeficiency 104. Also called: SCID, AUTOSOMAL RECESSIVE, T CELL-NEGATIVE, B CELL-POSITIVE, NK CELL-POSITIVE; Severe Combined Immune Deficiency, Autosomal Recessive, TCell -Negative, B Cell-Positive, NK Cell-Positive, IL7R-Related; IMMUNODEFICIENCY 104, SEVERE COMBINED; Severe combined immunodeficiency, autosomal recessive, T cell-negative, B cell-positive, NK cell-positive. Identifiers: MedGen C5676890, MONDO:0012163, OMIM 608971.

Submissions (2):

Ambry Genetics
Classification: Uncertain significance for Inborn genetic diseases. Last evaluated: 2025-12-11. Review status: criteria provided, single submitter. Criteria: Ambry Variant Classification Scheme 2023. Collection method: clinical testing. Allele origin: germline.

Labcorp Genetics (formerly Invitae), Labcorp
Classification: Uncertain significance for Immunodeficiency 104. Last evaluated: 2021-08-28. Review status: criteria provided, single submitter. Criteria: Invitae Variant Classification Sherloc (09022015). Collection method: clinical testing. Allele origin: germline.
Comment: This sequence change replaces serine with asparagine at codon 246 of the IL7R protein (p.Ser246Asn). The serine residue is highly conserved and there is a small physicochemical difference between serine and asparagine. This variant is not present in population databases (ExAC no frequency). This variant has not been reported in the literature in individuals affected with IL7R-related conditions. Algorithms developed to predict the effect of missense changes on protein structure and function (SIFT, PolyPhen-2, Align-GVGD) all suggest that this variant is likely to be tolerated. In summary, the available evidence is currently insufficient to determine the role of this variant in disease. Therefore, it has been classified as a Variant of Uncertain Significance.